The following is an entry in ClinVar:

NM_004415.4(DSP):c.4521A>G (p.Leu1507=)

Gene: DSP (desmoplakin; plus strand). Cytogenetic location: 6p24.3.
Variant type: single nucleotide variant.
Coding change: c.4521A>G on transcript NM_004415.4 (MANE Select); coding-DNA position 4521, A replaced by G.
Protein change: p.Leu1507=; no amino-acid change (leucine 1507 retained).
Molecular consequence: synonymous variant. On other transcripts: intron variant (2).
Genome position (GRCh38, 1-based): chr6:7,580,711, A>G. VCF-style: chr6-7580711-A-G. GRCh37 (hg19) VCF-style: chr6-7580944-A-G.
Other names: c.4050+471A>G (NM_001319034.2); c.3582+939A>G (NM_001008844.3).
Identifiers: ClinVar variation 917615 (VCV000917615.3), dbSNP rs1060500611, ClinGen allele CA448714624.

ClinVar aggregate classification (germline): Likely benign. Review status: criteria provided, multiple submitters, no conflicts (2 of 4 stars). 2 submissions from 2 submitters: Likely benign (2). Last evaluated 2024-06-17.

Conditions:
Arrhythmogenic cardiomyopathy with wooly hair and keratoderma. Also called: PALMOPLANTAR KERATODERMA WITH LEFT VENTRICULAR CARDIOMYOPATHY AND WOOLLY HAIR; Arrhythmogenic cardiomyopathy with woolly hair and keratoderma; Dilated cardiomyopathy with woolly hair and keratoderma; Carvajal syndrome. Identifiers: Orphanet 65282, MedGen C1854063, MONDO:0011581, OMIM 605676.
Arrhythmogenic right ventricular dysplasia 8 (ARVD8). Also called: Arrhythmogenic Right Ventricular Dysplasia/Cardiomyopathy 8; ARRHYTHMOGENIC RIGHT VENTRICULAR DYSPLASIA, FAMILIAL, 8; ARRHYTHMOGENIC RIGHT VENTRICULAR CARDIOMYOPATHY 8. Identifiers: MedGen C1843896, MONDO:0011831, OMIM 607450.

Submissions (2):

Labcorp Genetics (formerly Invitae), Labcorp
Classification: Likely benign for Arrhythmogenic cardiomyopathy with wooly hair and keratoderma; Arrhythmogenic right ventricular dysplasia 8. Last evaluated: 2024-06-17. Review status: criteria provided, single submitter. Criteria: Invitae Variant Classification Sherloc (09022015). Collection method: clinical testing. Allele origin: germline.

Women's Health and Genetics/Laboratory Corporation of America, LabCorp
Classification: Likely benign. Last evaluated: 2020-01-13. Review status: criteria provided, single submitter. Criteria: LabCorp Variant Classification Summary - May 2015. Collection method: clinical testing. Allele origin: germline.
Comment: Variant summary: DSP c.4521A>G alters a non-conserved nucleotide resulting in a synonymous change. 4/4 computational tools predict no significant impact on normal splicing. However, these predictions have yet to be confirmed by functional studies. The variant was absent in 249806 control chromosomes (gnomAD). The available data on variant occurrences in the general population are insufficient to allow any conclusion about variant significance. To our knowledge, no occurrence of c.4521A>G in individuals affected with Arrhythmia and no experimental evidence demonstrating its impact on protein function have been reported. No clinical diagnostic laboratories have submitted clinical-significance assessments for this variant to ClinVar after 2014. Based on the evidence outlined above, the variant was classified as likely benign.